The following is an entry in ClinVar:

NM_015910.7(WDPCP):c.514A>C (p.Ser172Arg)

Gene: WDPCP (WD repeat containing planar cell polarity effector; minus strand). Cytogenetic location: 2p15.
Variant type: single nucleotide variant.
Coding change: c.514A>C on transcript NM_015910.7 (MANE Select); coding-DNA position 514, A replaced by C.
Protein change: p.Ser172Arg; replaces serine 172 with arginine.
Molecular consequence: missense variant. On other transcripts: non-coding transcript variant (3).
Genome position (GRCh38, 1-based): chr2:63,437,540, T>G on the plus strand (A>C on the coding strand, the complement: WDPCP is on the minus strand). VCF-style: chr2-63437540-T-G. GRCh37 (hg19) VCF-style: chr2-63664674-T-G.
Other names: c.514A>C (NM_015910.5); c.37A>C, p.Ser13Arg (NM_001042692.3); c.442A>C, p.Ser148Arg (NM_001354044.2); c.514A>C, p.Ser172Arg (NM_001354045.2); short protein forms S148R, S172R, S13R.
Identifiers: ClinVar variation 2152300 (VCV002152300.5), dbSNP rs1170432187, ClinGen allele CA347063813.

ClinVar aggregate classification (germline): Uncertain significance. Review status: criteria provided, multiple submitters, no conflicts (2 of 4 stars). 2 submissions from 2 submitters: Uncertain significance (2). Last evaluated 2025-03-27.

Conditions:
Inborn genetic diseases. Identifiers: MedGen C0950123, MeSH D030342.
Bardet-Biedl syndrome (BBS). Identifiers: Orphanet 110, MedGen C0752166, MONDO:0015229.

Allele frequency attached by ClinVar (database versions not stated): TOPMed 0.00001; gnomAD 0.00003.
gnomAD v4.1: 11 of 1,590,536 alleles (0.00069%); highest among the groups gnomAD compares: Non-Finnish European, 0.00094%; no homozygotes.

Submissions (2):

Ambry Genetics
Classification: Uncertain significance for Inborn genetic diseases. Last evaluated: 2025-03-27. Review status: criteria provided, single submitter. Criteria: Ambry Variant Classification Scheme 2023. Collection method: clinical testing. Allele origin: germline.

Labcorp Genetics (formerly Invitae), Labcorp
Classification: Uncertain significance for Bardet-Biedl syndrome. Last evaluated: 2022-08-09. Review status: criteria provided, single submitter. Criteria: Invitae Variant Classification Sherloc (09022015). Collection method: clinical testing. Allele origin: germline.
Comment: In summary, the available evidence is currently insufficient to determine the role of this variant in disease. Therefore, it has been classified as a Variant of Uncertain Significance. Algorithms developed to predict the effect of missense changes on protein structure and function (SIFT, PolyPhen-2, Align-GVGD) all suggest that this variant is likely to be tolerated. This variant has not been reported in the literature in individuals affected with WDPCP-related conditions. This variant is present in population databases (no rsID available, gnomAD 0.002%). This sequence change replaces serine, which is neutral and polar, with arginine, which is basic and polar, at codon 172 of the WDPCP protein (p.Ser172Arg).